The following is an entry in ClinVar:

NM_004356.4(CD81):c.561+5G>C

Gene: CD81 (CD81 molecule; plus strand). Cytogenetic location: 11p15.5.
Variant type: single nucleotide variant.
Coding change: c.561+5G>C on transcript NM_004356.4 (MANE Select); 5 bases into the intron after coding-DNA position 561, G replaced by C.
Molecular consequence: intron variant.
Genome position (GRCh38, 1-based): chr11:2,395,975, G>C. VCF-style: chr11-2395975-G-C. GRCh37 (hg19) VCF-style: chr11-2417205-G-C.
Other names: c.348+5G>C (NM_001297649.2).
Identifiers: ClinVar variation 1397636 (VCV001397636.6), dbSNP rs376624998, ClinGen allele CA5820061.
Genomic context (GRCh38, chr11:2,395,975, plus strand): 5'-TGCTCAAGAACAATTTGTGTCCCTCGGGCAGCAACATCATCAGCAACCTCTTCAAGGTGC[G>C]CGAGGCCGGTGGGGCCGCGCCTGACCCCCCGCATGTCCCGCCCCTGGGTGGGGTCCTAGG-3'

ClinVar aggregate classification (germline): Uncertain significance (1 of 4 stars; one submission).

gnomAD v4.1: 30 of 1,599,534 alleles (0.0019%); highest among the groups gnomAD compares: Middle Eastern, 0.033%; no homozygotes.

Submission:

Labcorp Genetics (formerly Invitae), Labcorp
Classification: Uncertain significance. Last evaluated: 2025-05-21. Review status: criteria provided, single submitter. Criteria: Invitae Variant Classification Sherloc (09022015). Collection method: clinical testing. Allele origin: germline.
Comment: This sequence change falls in intron 6 of the CD81 gene. It does not directly change the encoded amino acid sequence of the CD81 protein. It affects a nucleotide within the consensus splice site. This variant is present in population databases (rs376624998, gnomAD 0.003%). This variant has not been reported in the literature in individuals affected with CD81-related conditions. ClinVar contains an entry for this variant (Variation ID: 1397636). Variants that disrupt the consensus splice site are a relatively common cause of aberrant splicing (PMID: 17576681, 9536098). Algorithms developed to predict the effect of sequence changes on RNA splicing suggest that this variant is not likely to affect RNA splicing. In summary, the available evidence is currently insufficient to determine the role of this variant in disease. Therefore, it has been classified as a Variant of Uncertain Significance.

Literature cited by the submitters: PubMed 17576681; PubMed 9536098.